The following is an entry in ClinVar:

ClinVar aggregate classification (germline): Benign. Review status: criteria provided, multiple submitters, no conflicts (2 of 4 stars). 2 submissions from 2 submitters: Benign (2). Last evaluated 2018-01-12.

Conditions:
Gelatinous droplike corneal dystrophy (GDLD). Also called: AMYLOID CORNEAL DYSTROPHY, JAPANESE TYPE. Identifiers: Orphanet 98957, MedGen C0339273, MONDO:0008777, OMIM 204870.

Allele frequency attached by ClinVar (database versions not stated): 1000 Genomes Project 30x 0.11696; 1000 Genomes Project 0.11821; gnomAD 0.14584 and 0.14784; TOPMed 0.14841; gnomAD exomes 0.15778.
gnomAD v4.1: 103,406 of 668,470 alleles (15%); highest among the groups gnomAD compares: Non-Finnish European, 17%; 8,508 homozygotes.

Submissions (2):

Illumina Laboratory Services, Illumina
Classification: Benign for Gelatinous droplike corneal dystrophy. Last evaluated: 2018-01-12. Review status: criteria provided, single submitter. Criteria: ICSL Variant Classification Criteria 13 December 2019. Collection method: clinical testing. Allele origin: germline.
Comment: This variant was observed in the ICSL laboratory as part of a predisposition screen in an ostensibly healthy population. It had not been previously curated by ICSL or reported in the Human Gene Mutation Database (HGMD: prior to June 1st, 2018), and was therefore a candidate for classification through an automated scoring system. Utilizing variant allele frequency, disease prevalence and penetrance estimates, and inheritance mode, an automated score was calculated to assess if this variant is too frequent to cause the disease. Based on the score and internal cut-off values, a variant classified as benign is not then subjected to further curation. The score for this variant resulted in a classification of benign for this disease.

Breakthrough Genomics
Classification: Benign. Review status: criteria provided, single submitter. Criteria: ACMG Guidelines, 2015. Collection method: not provided. Allele origin: germline. Inheritance: Autosomal recessive inheritance. Affected: yes.

NM_002353.3(TACSTD2):c.*202A>G

Gene: TACSTD2 (tumor associated calcium signal transducer 2; minus strand). Cytogenetic location: 1p32.1.
Variant type: single nucleotide variant.
Coding change: c.*202A>G on transcript NM_002353.3 (MANE Select); 202 bases downstream of the stop codon, A replaced by G.
Molecular consequence: 3 prime UTR variant.
Genome position (GRCh38, 1-based): chr1:58,575,983, T>C on the plus strand (A>G on the coding strand, the complement: TACSTD2 is on the minus strand). VCF-style: chr1-58575983-T-C. GRCh37 (hg19) VCF-style: chr1-59041655-T-C.
Identifiers: ClinVar variation 297758 (VCV000297758.6), dbSNP rs41313363, ClinGen allele CA10611308.